The following is an entry in ClinVar:

NM_003482.4(KMT2D):c.9647A>G (p.Glu3216Gly)

Gene: KMT2D (lysine methyltransferase 2D; minus strand). Cytogenetic location: 12q13.12.
Variant type: single nucleotide variant.
Coding change: c.9647A>G on transcript NM_003482.4 (MANE Select); coding-DNA position 9647, A replaced by G.
Protein change: p.Glu3216Gly; replaces glutamic acid 3216 with glycine.
Molecular consequence: missense variant.
Genome position (GRCh38, 1-based): chr12:49,037,709, T>C on the plus strand (A>G on the coding strand, the complement: KMT2D is on the minus strand). VCF-style: chr12-49037709-T-C. GRCh37 (hg19) VCF-style: chr12-49431492-T-C.
Other names: short protein forms E3216G.
Identifiers: ClinVar variation 4801220 (VCV004801220.1).

ClinVar aggregate classification (germline): Uncertain significance (1 of 4 stars; one submission).

Conditions:
Kabuki syndrome. Also called: NIIKAWA-KUROKI SYNDROME; Kabuki make-up syndrome. Identifiers: Orphanet 2322, MedGen C0796004, MONDO:0016512.

Submission:

Labcorp Genetics (formerly Invitae), Labcorp
Classification: Uncertain significance for Kabuki syndrome. Last evaluated: 2025-05-06. Review status: criteria provided, single submitter. Criteria: Invitae Variant Classification Sherloc (09022015). Collection method: clinical testing. Allele origin: germline.
Comment: This sequence change replaces glutamic acid, which is acidic and polar, with glycine, which is neutral and non-polar, at codon 3216 of the KMT2D protein (p.Glu3216Gly). This variant is not present in population databases (gnomAD no frequency). This variant has not been reported in the literature in individuals affected with KMT2D-related conditions. Invitae Evidence Modeling of protein sequence and biophysical properties (such as structural, functional, and spatial information, amino acid conservation, physicochemical variation, residue mobility, and thermodynamic stability) indicates that this missense variant is not expected to disrupt KMT2D protein function with a negative predictive value of 95%. In summary, the available evidence is currently insufficient to determine the role of this variant in disease. Therefore, it has been classified as a Variant of Uncertain Significance.